The following is an entry in ClinVar:

NM_006265.3(RAD21):c.482-3T>C

Gene: RAD21 (RAD21 cohesin complex component; minus strand). Cytogenetic location: 8q24.11.
Variant type: single nucleotide variant.
Coding change: c.482-3T>C on transcript NM_006265.3 (MANE Select); 3 bases into the intron before coding-DNA position 482, T replaced by C.
Molecular consequence: intron variant.
Genome position (GRCh38, 1-based): chr8:116,857,476, A>G on the plus strand (T>C on the coding strand, the complement: RAD21 is on the minus strand). VCF-style: chr8-116857476-A-G. GRCh37 (hg19) VCF-style: chr8-117869715-A-G.
Identifiers: ClinVar variation 4809797 (VCV004809797.1).

ClinVar aggregate classification (germline): Uncertain significance (1 of 4 stars; one submission).

Conditions:
Cornelia de Lange syndrome 4 (CDLS4). Also called: RAD21-Related Cornelia de Lange Syndrome; CORNELIA DE LANGE SYNDROME 4 WITH OR WITHOUT MIDLINE BRAIN DEFECTS. Identifiers: Orphanet 199, MedGen C3553517, MONDO:0013864, OMIM 614701.

gnomAD v4.1: 33 of 1,610,662 alleles (0.002%); highest among the groups gnomAD compares: Non-Finnish European, 0.0025%; no homozygotes.

Submission:

Labcorp Genetics (formerly Invitae), Labcorp
Classification: Uncertain significance for Cornelia de Lange syndrome 4. Last evaluated: 2025-05-14. Review status: criteria provided, single submitter. Criteria: Invitae Variant Classification Sherloc (09022015). Collection method: clinical testing. Allele origin: germline.
Comment: This sequence change falls in intron 5 of the RAD21 gene. It does not directly change the encoded amino acid sequence of the RAD21 protein. It affects a nucleotide within the consensus splice site. This variant is present in population databases (rs766325281, gnomAD 0.003%). This variant has not been reported in the literature in individuals affected with RAD21-related conditions. Variants that disrupt the consensus splice site are a relatively common cause of aberrant splicing (PMID: 17576681, 9536098). Algorithms developed to predict the effect of sequence changes on RNA splicing suggest that this variant is not likely to affect RNA splicing. In summary, the available evidence is currently insufficient to determine the role of this variant in disease. Therefore, it has been classified as a Variant of Uncertain Significance.

Literature cited by the submitters: PubMed 17576681; PubMed 9536098.